The following is an entry in ClinVar:

ClinVar aggregate classification (germline): Pathogenic/Likely pathogenic. Review status: criteria provided, multiple submitters, no conflicts (2 of 4 stars). 13 submissions from 12 submitters: Pathogenic (8); Likely pathogenic (1). 4 of the submissions do not count toward it. Last evaluated 2026-06-27.

Conditions:
Hereditary hyperinsulinism.
ABCC8-related disorder.
Diabetes mellitus, permanent neonatal 3. Also called: ABCC8-Related Permanent Neonatal Diabetes Mellitus. Identifiers: MedGen C5394303, MONDO:0030088, OMIM 618857.
Leucine-induced hypoglycemia (LIH). Also called: LEUCINE-SENSITIVE HYPOGLYCEMIA OF INFANCY. Identifiers: MedGen C0271714, MONDO:0009415, OMIM 240800.
Hyperinsulinemic hypoglycemia, familial, 1 (HHF1). Also called: Persistent Hyperinsulinemia Hypoglycemia of Infancy; Persistent hyperinsulinemic hypoglycemia of infancy; HYPERINSULINISM, FAMILIAL, WITH PANCREATIC NESIDIOBLASTOSIS; HYPOGLYCEMIA, HYPERINSULINEMIC, OF INFANCY; NESIDIOBLASTOSIS OF PANCREAS. Identifiers: Orphanet 276575, Orphanet 276598, MedGen C2931832, MONDO:0009734, OMIM 256450.
Type 2 diabetes mellitus. Also called: Type II diabetes mellitus. Identifiers: MedGen C0011860, MeSH D003924, MONDO:0005148, OMIM 125853, HP:0005978.
Diabetes mellitus, transient neonatal, 2 (TNDM2). Identifiers: Orphanet 99886, MedGen C1835887, MONDO:0012480, OMIM 610374. Disease mechanism: loss of function.

Allele frequency attached by ClinVar (database versions not stated): gnomAD 0.00001; gnomAD exomes 0.00001 and 0.00002; TOPMed 0.00001; ExAC 0.00002.
gnomAD v4.1: 10 of 1,613,948 alleles (0.00062%); highest among the groups gnomAD compares: South Asian, 0.0022%; no homozygotes.

Submissions (13):

PreventionGenetics, part of Exact Sciences
Classification: Likely pathogenic for ABCC8-related condition. Last evaluated: 2026-06-27. Review status: criteria provided, single submitter. Criteria: ACMG Guidelines, 2015. Collection method: clinical testing. Allele origin: germline.
Comment: The ABCC8 c.4477C>T variant is predicted to result in the amino acid substitution p.Arg1493Trp. This variant was reported in individuals with ABCC8-related diseases (Verkarre et al. 1998. PubMed ID: 9769320, Tornovsky et al. 2004. PubMed ID: 15579781, Bendix et al. 2018. PubMed ID: 30186238). In vitro functional characterization suggests that this variant is deleterious (Tornovsky et al. 2004. PubMed ID: 15579781). Additional variants affecting this residue have been reported in patients (Stranneheim et al. 2021. PubMed ID: 3372681, Ang et al. 2016. PubMed ID: 27420379, Panigrahy et al. 2021. PubMed ID: 34304300). The c.4477C>T variant is reported in 0.0033% of alleles in individuals of South Asian descent in gnomAD. This variant is interpreted as likely pathogenic.

Labcorp Genetics (formerly Invitae), Labcorp
Classification: Pathogenic. Last evaluated: 2026-01-20. Review status: criteria provided, single submitter. Criteria: Invitae Variant Classification Sherloc (09022015). Collection method: clinical testing. Allele origin: germline.
Comment: This sequence change replaces arginine, which is basic and polar, with tryptophan, which is neutral and slightly polar, at codon 1493 of the ABCC8 protein (p.Arg1493Trp). This variant is present in population databases (rs28936371, gnomAD 0.003%). This missense change has been observed in individuals with autosomal recessive diffuse or focal hyperinsulinism (PMID: 9769320, 15579781, 30186238). This variant is also known as R1494W. ClinVar contains an entry for this variant (Variation ID: 9096). Invitae Evidence Modeling of protein sequence and biophysical properties (such as structural, functional, and spatial information, amino acid conservation, physicochemical variation, residue mobility, and thermodynamic stability) indicates that this missense variant is expected to disrupt ABCC8 protein function with a positive predictive value of 95%. Experimental studies have shown that this missense change affects ABCC8 function (PMID: 15579781). This variant disrupts the p.Arg1493 amino acid residue in ABCC8. Other variant(s) that disrupt this residue have been observed in individuals with ABCC8-related conditions (PMID: 10426386), which suggests that this may be a clinically significant amino acid residue. For these reasons, this variant has been classified as Pathogenic.

Natera, Inc.
Classification: Pathogenic for Hereditary hyperinsulinism. Last evaluated: 2025-09-10. Review status: criteria provided, single submitter. Criteria: Natera Variant Classification Schema (03/2026). Collection method: clinical testing. Allele origin: germline.
Comment: The c.4477C>T variant in ABCC8 is a missense variant predicted to cause substitution of arginine to tryptophan at amino acid 1493. This variant is rare in the general population with a frequency below the threshold expected for the associated phenotype(s). This variant has been observed in one or more individuals affected with the associated recessive disease, as either homozygous or compound heterozygous with a second variant (PMID: 9769320, 15579781, 19475716). Additionally, this variant has been observed to segregate in affected family members (PMID: 15579781). A different variant at the same position has been determined to be Pathogenic or Likely Pathogenic. Computational prediction algorithms indicate this variant is likely to affect gene or protein function. Given the available evidence, this variant is classified as Pathogenic.

Blueprint Genetics
Classification: Pathogenic for ABCC8-related disorders. Last evaluated: 2024-06-26. Review status: criteria provided, single submitter. Criteria: ACMG Guidelines, 2015. Collection method: clinical testing. Allele origin: germline. Affected: yes. Observed: 2 variant alleles.

Fulgent Genetics
Classification: Pathogenic for Type 2 diabetes mellitus; Leucine-induced hypoglycemia; Hyperinsulinemic hypoglycemia, familial, 1; Diabetes mellitus, transient neonatal, 2; Diabetes mellitus, permanent neonatal 3. Last evaluated: 2024-04-01. Review status: criteria provided, single submitter. Criteria: ACMG Guidelines, 2015. Collection method: clinical testing. Allele origin: germline.

Laboratory of Medical Genetics, National & Kapodistrian University of Athens
Classification: Pathogenic for Hyperinsulinemic hypoglycemia, familial, 1. Last evaluated: 2024-02-01. Review status: criteria provided, single submitter. Criteria: ACMG Guidelines, 2015. Collection method: curation. Allele origin: germline. Affected: no.

Baylor Genetics
Classification: Pathogenic for Type 2 diabetes mellitus. Last evaluated: 2023-09-08. Review status: criteria provided, single submitter. Criteria: ACMG Guidelines, 2015. Collection method: clinical testing. Allele origin: unknown.

Broad Center for Mendelian Genomics, Broad Institute of MIT and Harvard
Classification: Pathogenic for Hyperinsulinemic hypoglycemia, familial, 1. Last evaluated: 2023-08-16. Review status: criteria provided, single submitter. Criteria: ACMG Guidelines, 2015. Collection method: curation. Allele origin: germline. Inheritance: Autosomal recessive inheritance.
Comment: The p.Arg1493Trp variant in ABCC8 has been reported in at least 9 individuals with hyperinsulinemic hypoglycemia (PMID: 30186238, 33688939, 10202168, 10426386, 19475716, 9769320, 15579781), segregated with disease in 2 affected relatives from 2 families (PMID: 19475716), and has been identified in 0.003% (1/30616) of South Asian chromosomes by the Genome Aggregation Database (gnomAD; dbSNP rs28936371). Although this variant has been seen in the general population in a heterozygous state, its frequency is low enough to be consistent with a recessive carrier frequency. This variant has also been reported in ClinVar (Variation ID#: 9096) and has been interpreted as pathogenic or likely pathogenic by multiple sources. Of the 9 affected individuals, at least 4 were compound heterozygotes that carried a reported pathogenic variants in trans, which increases the likelihood that the p.Arg1493Trp variant is pathogenic (PMID: 30186238, 9769320). In vitro functional studies provide some evidence that the p.Arg1493Trp variant may slightly impact protein function (PMID: 15579781). However, these types of assays may not accurately represent biological function. Computational prediction tools and conservation analyses suggest that this variant may impact the protein, though this information is not predictive enough to determine pathogenicity. In summary, this variant meets criteria to be classified as pathogenic for autosomal recessive hyperinsulinemic hypoglycemia. ACMG/AMP Criteria applied: PM3_very-strong, PP3, PP2_supporting, PS3_supporting, PP1 (Richards 2015).

Athena Diagnostics
Classification: Pathogenic. Last evaluated: 2017-08-29. Review status: criteria provided, single submitter. Criteria: Athena Diagnostics Criteria. Collection method: clinical testing. Allele origin: germline.

Counsyl
Classification: Likely pathogenic for Persistent hyperinsulinemic hypoglycemia of infancy. Last evaluated: 2014-03-24. Review status: no assertion criteria provided. Collection method: literature only. Allele origin: unknown. Inheritance: Autosomal recessive inheritance. Not counted in ClinVar's aggregate classification.

OMIM
Classification: Pathogenic for HYPERINSULINEMIC HYPOGLYCEMIA, FAMILIAL, 1. Last evaluated: 1998-10-01. Review status: no assertion criteria provided. Collection method: literature only. Allele origin: germline. Not counted in ClinVar's aggregate classification.

Clinical Genomics, Uppaluri K&H Personalized Medicine Clinic
Classification: Uncertain risk allele for Hyperinsulinemic hypoglycemia, familial, 1. Last evaluated: 2024-05-11. Review status: flagged submission. Criteria: K & H Uppaluri Personalized Medicine Clinic Variant Classification & Assertion Criteria_Updated V.1. Collection method: research. Allele origin: somatic. Inheritance: Somatic mutation. Not counted in ClinVar's aggregate classification.
Comment: This variant is found to be a potent moderate impact, deleterious variant with a CADD score of 29.3 and sufficient scientific evidence to support gene-disease correlation. This is found more frequently in congenital Hyperinsulinism cases as per recent evidence as well. However, since this is not a high impact variant and has limited evidence, this variant is reclassified as Uncertain risk allele only.
ClinVar note: Reason: Outlier claim with insufficient supporting evidence

Clinical Genomics, Uppaluri K&H Personalized Medicine Clinic
Classification: Uncertain risk allele for Diabetes mellitus, transient neonatal, 2. Last evaluated: 2024-05-11. Review status: flagged submission. Criteria: K & H Uppaluri Personalized Medicine Clinic Variant Classification & Assertion Criteria_Updated V.1. Collection method: research. Allele origin: somatic. Inheritance: Somatic mutation. Not counted in ClinVar's aggregate classification.
Comment: This variant is found to be a potent moderate impact, deleterious variant with a CADD score of 29.3 and sufficient scientific evidence of gene-disease correlation. However, since this is not a high impact variant and no variant evidence, this variant is reclassified as Uncertain risk allele.
ClinVar note: Reason: Outlier claim with insufficient supporting evidence

Literature cited by the submitters: PubMed 9769320 (cited by 3 submitters); PubMed 15579781 (cited by 4 submitters); PubMed 30186238 (cited by Labcorp Genetics (formerly Invitae), Labcorp); PubMed 10426386 (cited by Labcorp Genetics (formerly Invitae), Labcorp); PubMed 19475716 (cited by Natera, Inc. and Athena Diagnostics); PubMed 20943779 (cited by 3 submitters); PubMed 10202168 (cited by Athena Diagnostics and Counsyl); PubMed 11395395 (cited by Athena Diagnostics); PubMed 17378627 (cited by Athena Diagnostics and Counsyl); PubMed 1021286 (cited by Counsyl); PubMed 18767144 (cited by Counsyl); PubMed 32376986 (cited by Clinical Genomics, Uppaluri K&H Personalized Medicine Clinic); PubMed 33013711 (cited by Clinical Genomics, Uppaluri K&H Personalized Medicine Clinic); PubMed 20922570 (cited by Clinical Genomics, Uppaluri K&H Personalized Medicine Clinic); PubMed 17919176 (cited by Clinical Genomics, Uppaluri K&H Personalized Medicine Clinic); PubMed 21738553 (cited by Clinical Genomics, Uppaluri K&H Personalized Medicine Clinic); PubMed 17389331 (cited by Clinical Genomics, Uppaluri K&H Personalized Medicine Clinic).

NM_000352.6(ABCC8):c.4477C>T (p.Arg1493Trp)

Gene: ABCC8 (ATP binding cassette subfamily C member 8; minus strand). Cytogenetic location: 11p15.1.
Variant type: single nucleotide variant.
Coding change: c.4477C>T on transcript NM_000352.6 (MANE Select); coding-DNA position 4477, C replaced by T.
Protein change: p.Arg1493Trp; replaces arginine 1493 with tryptophan.
Molecular consequence: missense variant. On other transcripts: non-coding transcript variant (1).
Genome position (GRCh38, 1-based): chr11:17,394,334, G>A on the plus strand (C>T on the coding strand, the complement: ABCC8 is on the minus strand). VCF-style: chr11-17394334-G-A. GRCh37 (hg19) VCF-style: chr11-17415881-G-A.
Other names: NM_000352.6(ABCC8):c.4477C>T; c.4480C>T, p.Arg1494Trp (NM_001287174.3); c.4543C>T, p.Arg1515Trp (NM_001351295.2); c.4477C>T, p.Arg1493Trp (NM_001351296.2); c.4474C>T, p.Arg1492Trp (NM_001351297.2); short protein forms R1494W, R1493W, R1515W, R1492W.
Identifiers: ClinVar variation 9096 (VCV000009096.22), dbSNP rs28936371, ClinGen allele CA254633.